The following is an entry in ClinVar:

ClinVar aggregate classification (germline): Likely benign. Review status: criteria provided, multiple submitters, no conflicts (2 of 4 stars). 2 submissions from 2 submitters: Likely benign (2). Last evaluated 2023-03-01.

Conditions:
Emery-Dreifuss muscular dystrophy 4, autosomal dominant (EDMD4). Also called: EMERY-DREIFUSS MUSCULAR DYSTROPHY 4 WITH VARIABLE FEATURES. Identifiers: Orphanet 261, MedGen C2751807, MONDO:0013071, OMIM 612998.
Autosomal recessive ataxia, Beauce type. Also called: SYNE1-Related Autosomal Recessive Cerebellar Ataxia; Spinocerebellar ataxia, autosomal recessive 8; ATAXIA, RECESSIVE, OF BEAUCE; SYNE1 Deficiency. Identifiers: Orphanet 88644, MedGen C1853116, MONDO:0012549, OMIM 610743.

Allele frequency attached by ClinVar (database versions not stated): TOPMed below 0.00001; gnomAD 0.00001.
gnomAD v4.1: 2 of 1,613,988 alleles (0.00012%); highest among the groups gnomAD compares: Non-Finnish European, 0.00017%; no homozygotes.

Submissions (2):

CeGaT Center for Human Genetics Tuebingen
Classification: Likely benign. Last evaluated: 2023-03-01. Review status: criteria provided, single submitter. Criteria: CeGaT Center For Human Genetics Tuebingen Variant Classification Criteria Version 2. Collection method: clinical testing. Allele origin: germline. Affected: yes. Observed: 1 variant allele.
Comment: SYNE1: BP4, BP7

Labcorp Genetics (formerly Invitae), Labcorp
Classification: Likely benign for Emery-Dreifuss muscular dystrophy 4, autosomal dominant; Autosomal recessive ataxia, Beauce type. Last evaluated: 2022-09-01. Review status: criteria provided, single submitter. Criteria: Invitae Variant Classification Sherloc (09022015). Collection method: clinical testing. Allele origin: germline.

NM_182961.4(SYNE1):c.6432C>T (p.Asn2144=)

Gene: SYNE1 (spectrin repeat containing nuclear envelope protein 1; minus strand). Cytogenetic location: 6q25.2.
Variant type: single nucleotide variant.
Coding change: c.6432C>T on transcript NM_182961.4 (MANE Select); coding-DNA position 6432, C replaced by T.
Protein change: p.Asn2144=; no amino-acid change (asparagine 2144 retained).
Molecular consequence: synonymous variant.
Genome position (GRCh38, 1-based): chr6:152,409,176, G>A on the plus strand (C>T on the coding strand, the complement: SYNE1 is on the minus strand). VCF-style: chr6-152409176-G-A. GRCh37 (hg19) VCF-style: chr6-152730311-G-A.
Other names: c.6453C>T, p.Asn2151= (NM_033071.5).
Identifiers: ClinVar variation 2114731 (VCV002114731.28), dbSNP rs1273806422, ClinGen allele CA452761383.